The following is an entry in ClinVar:

NM_000091.5(COL4A3):c.736G>A (p.Val246Met)

Genes: COL4A3 (collagen type IV alpha 3 chain; plus strand), MFF-DT (MFF divergent transcript; minus strand). Cytogenetic location: 2q36.3.
Variant type: single nucleotide variant.
Coding change: c.736G>A on transcript NM_000091.5 (MANE Select); coding-DNA position 736, G replaced by A.
Protein change: p.Val246Met; replaces valine 246 with methionine.
Molecular consequence: missense variant.
Genome position (GRCh38, 1-based): chr2:227,253,609, G>A. VCF-style: chr2-227253609-G-A. GRCh37 (hg19) VCF-style: chr2-228118325-G-A.
Other names: short protein forms V246M.
Identifiers: ClinVar variation 4697282 (VCV004697282.2).

ClinVar aggregate classification (germline): Uncertain significance. Review status: criteria provided, multiple submitters, no conflicts (2 of 4 stars). 2 submissions from 2 submitters: Uncertain significance (2). Last evaluated 2026-07-03.

Conditions:
Autosomal dominant Alport syndrome (ATS3A). Also called: Alport syndrome dominant type; Renal failure and sensorineural hearing loss; ALPORT SYNDROME 3A, AUTOSOMAL DOMINANT. Identifiers: Orphanet 63, Orphanet 88918, MedGen C5882663, MONDO:0007086, OMIM 104200.

gnomAD v4.1: 3 of 1,614,102 alleles (0.00019%); highest among the groups gnomAD compares: South Asian, 0.0022%; no homozygotes.

Submissions (2):

Genetics laboratory, Institute of Kidney Diseases & Research Centre Dr. H.L. Trivedi Institute Of Transplantation Sciences
Classification: Uncertain significance for Autosomal dominant Alport syndrome. Last evaluated: 2026-07-03. Review status: criteria provided, single submitter. Criteria: ACMG Guidelines, 2015. Collection method: clinical testing. Allele origin: germline. Inheritance: Autosomal dominant inheritance. Affected: yes. Observed: 1 variant allele, 1 heterozygote.
Comment: A heterozygous missense variant, c.736G>A (p.Val246Met), was identified in the COL4A3 gene. The variant is absent or extremely rare in population databases (PM2). The affected amino acid is not a glycine residue within the collagenous Gly-X-Y domain, where glycine substitutions represent the predominant pathogenic mechanism in COL4A3-related disorders. Furthermore, there are no well-established functional studies, segregation data, or sufficient published clinical evidence supporting the pathogenicity of this specific variant. Therefore, the available evidence is insufficient to establish a pathogenic or likely pathogenic role for this variant. According to the ACMG/AMP guidelines, the variant is classified as a Variant of Uncertain Significance (VUS).

Labcorp Genetics (formerly Invitae), Labcorp
Classification: Uncertain significance. Last evaluated: 2025-02-13. Review status: criteria provided, single submitter. Criteria: Invitae Variant Classification Sherloc (09022015). Collection method: clinical testing. Allele origin: germline.
Comment: This sequence change replaces valine, which is neutral and non-polar, with methionine, which is neutral and non-polar, at codon 246 of the COL4A3 protein (p.Val246Met). This variant is present in population databases (rs756512062, gnomAD 0.003%). This variant has not been reported in the literature in individuals affected with COL4A3-related conditions. Invitae Evidence Modeling of protein sequence and biophysical properties (such as structural, functional, and spatial information, amino acid conservation, physicochemical variation, residue mobility, and thermodynamic stability) indicates that this missense variant is not expected to disrupt COL4A3 protein function with a negative predictive value of 95%. In summary, the available evidence is currently insufficient to determine the role of this variant in disease. Therefore, it has been classified as a Variant of Uncertain Significance.